The following is an entry in ClinVar:

ClinVar aggregate classification (germline): Likely benign (0 of 4 stars; one submission).

Conditions:
DMBT1-related disorder. Also called: DMBT1-related condition.

gnomAD v4.1: 201 of 1,613,836 alleles (0.012%); highest among the groups gnomAD compares: East Asian, 0.27%; no homozygotes.

Submission:

PreventionGenetics, part of Exact Sciences
Classification: Likely benign for DMBT1-related condition. Last evaluated: 2019-04-09. Review status: no assertion criteria provided. Collection method: clinical testing. Allele origin: germline.
Comment: This variant is classified as likely benign based on ACMG/AMP sequence variant interpretation guidelines (Richards et al. 2015 PMID: 25741868, with internal and published modifications).

NM_001377530.1(DMBT1):c.984C>T (p.Asp328=)

Gene: DMBT1 (deleted in malignant brain tumors 1; plus strand). Cytogenetic location: 10q26.13.
Variant type: single nucleotide variant.
Coding change: c.984C>T on transcript NM_001377530.1 (MANE Select); coding-DNA position 984, C replaced by T.
Protein change: p.Asp328=; no amino-acid change (aspartic acid 328 retained).
Molecular consequence: synonymous variant.
Genome position (GRCh38, 1-based): chr10:122,579,882, C>T. VCF-style: chr10-122579882-C-T. GRCh37 (hg19) VCF-style: chr10-124339398-C-T.
Other names: c.984C>T, p.Asp328= (NM_001320644.2, NM_004406.3, NM_007329.3 and 1 more transcripts).
Identifiers: ClinVar variation 3353093 (VCV003353093.1).